The following is an entry in ClinVar:

ClinVar aggregate classification (germline): Uncertain significance. Review status: criteria provided, multiple submitters, no conflicts (2 of 4 stars). 2 submissions from 2 submitters: Uncertain significance (2). Last evaluated 2024-11-10.

Conditions:
Hereditary cancer-predisposing syndrome. Also called: Tumor predisposition; Hereditary neoplastic syndrome; Neoplastic Syndromes, Hereditary; Hereditary Cancer Syndrome. Identifiers: Orphanet 140162, MedGen C0027672, MeSH D009386, MONDO:0015356.

Allele frequency attached by ClinVar (database versions not stated): gnomAD exomes below 0.00001.

Submissions (2):

Ambry Genetics
Classification: Uncertain significance for Hereditary cancer-predisposing syndrome. Last evaluated: 2024-11-10. Review status: criteria provided, single submitter. Criteria: Ambry Variant Classification Scheme 2023. Collection method: clinical testing. Allele origin: germline.
Comment: The p.A374V variant (also known as c.1121C>T), located in coding exon 12 of the POLE gene, results from a C to T substitution at nucleotide position 1121. The alanine at codon 374 is replaced by valine, an amino acid with similar properties. This amino acid position is conserved. In addition, this alteration is predicted to be tolerated by in silico analysis. Based on the available evidence, the clinical significance of this variant remains unclear.

Labcorp Genetics (formerly Invitae), Labcorp
Classification: Uncertain significance. Last evaluated: 2021-04-17. Review status: criteria provided, single submitter. Criteria: Invitae Variant Classification Sherloc (09022015). Collection method: clinical testing. Allele origin: germline.
Comment: In summary, the available evidence is currently insufficient to determine the role of this variant in disease. Therefore, it has been classified as a Variant of Uncertain Significance. Algorithms developed to predict the effect of sequence changes on RNA splicing suggest that this variant may create or strengthen a splice site, but this prediction has not been confirmed by published transcriptional studies. Algorithms developed to predict the effect of missense changes on protein structure and function (SIFT, PolyPhen-2, Align-GVGD) all suggest that this variant is likely to be tolerated, but these predictions have not been confirmed by published functional studies and their clinical significance is uncertain. This variant has not been reported in the literature in individuals with POLE-related conditions. This variant is not present in population databases (ExAC no frequency). This sequence change replaces alanine with valine at codon 374 of the POLE protein (p.Ala374Val). The alanine residue is moderately conserved and there is a small physicochemical difference between alanine and valine.

NM_006231.4(POLE):c.1121C>T (p.Ala374Val)

Gene: POLE (DNA polymerase epsilon, catalytic subunit; minus strand). Cytogenetic location: 12q24.33.
Variant type: single nucleotide variant.
Coding change: c.1121C>T on transcript NM_006231.4 (MANE Select); coding-DNA position 1121, C replaced by T.
Protein change: p.Ala374Val; replaces alanine 374 with valine.
Molecular consequence: missense variant.
Genome position (GRCh38, 1-based): chr12:132,675,503, G>A on the plus strand (C>T on the coding strand, the complement: POLE is on the minus strand). VCF-style: chr12-132675503-G-A. GRCh37 (hg19) VCF-style: chr12-133252089-G-A.
Other names: c.1121C>T (NM_006231.2); short protein forms A374V.
Identifiers: ClinVar variation 1361010 (VCV001361010.9), dbSNP rs2136009474, ClinGen allele CA387361159.
Genomic context (GRCh38, chr12:132,675,503, plus strand): 5'-TGGCTGTCCTTCTGGAAGCCTATCTCCTGCTGCATGCTCAGACCGTGGACTGCTGCCCGG[G>A]CCTCCACAAATGGCCTGGGTTGGAAAGAGGACAGACAAGCAAGTGGGCAGGTCAGGCTCT-3'
Protein context (NP_006222.2, residues 364-384): GDFFDWPFVE[Ala374Val]RAAVHGLSMQ